The following is an entry in ClinVar:

ClinVar aggregate classification (germline): Uncertain significance (1 of 4 stars; one submission).

Submission:

GeneDx
Classification: Uncertain significance. Last evaluated: 2022-12-31. Review status: criteria provided, single submitter. Criteria: GeneDx Variant Classification Process June 2021. Collection method: clinical testing. Allele origin: germline.
Comment: Not observed at significant frequency in large population cohorts (gnomAD); Frameshift variant predicted to result in protein truncation or nonsense mediated decay in a gene or region of a gene for which loss of function is not a well-established mechanism of disease; Has not been previously published as pathogenic or benign to our knowledge; Variants in candidate genes are classified as variants of uncertain significance in accordance with ACMG guidelines (Richards et al., 2015)

NM_014709.4(USP34):c.4744del (p.Thr1582fs)

Gene: USP34 (ubiquitin specific peptidase 34; minus strand). Cytogenetic location: 2p15.
Variant type: Deletion.
Coding change: c.4744del on transcript NM_014709.4 (MANE Select); coding-DNA position 4744, one base deleted (A; older notation c.4744delA).
Protein change: p.Thr1582fs; shifts the reading frame from threonine 1582.
Molecular consequence: frameshift variant.
Genome position (GRCh38, 1-based): chr2:61,288,682, T deleted on the plus strand (A on the coding strand, the reverse complement: USP34 is on the minus strand); the first of 2 consecutive T bases (chr2:61,288,682-61,288,683); deleting either gives the same sequence. VCF-style (leftmost placement, unchanged base first): chr2-61288681-GT-G. GRCh37 (hg19) VCF-style: chr2-61515816-GT-G.
Other names: short protein forms T1582fs.
Identifiers: ClinVar variation 4891324 (VCV004891324.1).